The following is an entry in ClinVar:

ClinVar aggregate classification (germline): Likely benign. Review status: criteria provided, multiple submitters, no conflicts (2 of 4 stars). 3 submissions from 3 submitters: Likely benign (3). Last evaluated 2025-11-12.

Conditions:
Inborn genetic diseases. Identifiers: MedGen C0950123, MeSH D030342.
SAMD9-related disorder. Also called: SAMD9-related condition.

Allele frequency attached by ClinVar (database versions not stated): ExAC 0.00002; gnomAD exomes 0.00002; TOPMed 0.00004; gnomAD 0.00006.
gnomAD v4.1: 38 of 1,613,666 alleles (0.0024%); highest among the groups gnomAD compares: South Asian, 0.012%; no homozygotes.

Submissions (3):

Labcorp Genetics (formerly Invitae), Labcorp
Classification: Likely benign. Last evaluated: 2025-11-12. Review status: criteria provided, single submitter. Criteria: Invitae Variant Classification Sherloc (09022015). Collection method: clinical testing. Allele origin: germline.

PreventionGenetics, part of Exact Sciences
Classification: Likely benign for SAMD9-related condition. Last evaluated: 2025-03-10. Review status: criteria provided, single submitter. Criteria: ACMG Guidelines, 2015. Collection method: clinical testing. Allele origin: germline.
Comment: This variant is classified as likely benign based on ACMG/AMP sequence variant interpretation guidelines (Richards et al. 2015 PMID: 25741868, with internal and published modifications).

Ambry Genetics
Classification: Likely benign for Inborn genetic diseases. Last evaluated: 2024-12-03. Review status: criteria provided, single submitter. Criteria: Ambry Variant Classification Scheme 2023. Collection method: clinical testing. Allele origin: germline.

NM_017654.4(SAMD9):c.3423C>T (p.Asn1141=)

Gene: SAMD9 (sterile alpha motif domain containing 9; minus strand). Cytogenetic location: 7q21.2.
Variant type: single nucleotide variant.
Coding change: c.3423C>T on transcript NM_017654.4 (MANE Select); coding-DNA position 3423, C replaced by T.
Protein change: p.Asn1141=; no amino-acid change (asparagine 1141 retained).
Molecular consequence: synonymous variant.
Genome position (GRCh38, 1-based): chr7:93,102,675, G>A on the plus strand (C>T on the coding strand, the complement: SAMD9 is on the minus strand). VCF-style: chr7-93102675-G-A. GRCh37 (hg19) VCF-style: chr7-92731988-G-A.
Other names: c.3423C>T (NM_017654.3); c.3423C>T, p.Asn1141= (NM_001193307.2).
Identifiers: ClinVar variation 2183689 (VCV002183689.6), dbSNP rs771055414, ClinGen allele CA4342702.